The following is an entry in ClinVar:

ClinVar aggregate classification (germline): Uncertain significance (1 of 4 stars; one submission).

Submission:

Labcorp Genetics (formerly Invitae), Labcorp
Classification: Uncertain significance. Last evaluated: 2025-12-22. Review status: criteria provided, single submitter. Criteria: Invitae Variant Classification Sherloc (09022015). Collection method: clinical testing. Allele origin: germline.
Comment: This sequence change replaces tyrosine, which is neutral and polar, with cysteine, which is neutral and slightly polar, at codon 345 of the CDH2 protein (p.Tyr345Cys). This variant is not present in population databases (gnomAD no frequency). This variant has not been reported in the literature in individuals affected with CDH2-related conditions. An algorithm developed to predict the effect of missense changes on protein structure and function (PolyPhen-2) suggests that this variant is likely to be disruptive. In summary, the available evidence is currently insufficient to determine the role of this variant in disease. Therefore, it has been classified as a Variant of Uncertain Significance.

NM_001792.5(CDH2):c.1034A>G (p.Tyr345Cys)

Gene: CDH2 (cadherin 2; minus strand). Cytogenetic location: 18q12.1.
Variant type: single nucleotide variant.
Coding change: c.1034A>G on transcript NM_001792.5 (MANE Select); coding-DNA position 1034, A replaced by G.
Protein change: p.Tyr345Cys; replaces tyrosine 345 with cysteine.
Molecular consequence: missense variant.
Genome position (GRCh38, 1-based): chr18:27,993,624, T>C on the plus strand (A>G on the coding strand, the complement: CDH2 is on the minus strand). VCF-style: chr18-27993624-T-C. GRCh37 (hg19) VCF-style: chr18-25573588-T-C.
Other names: c.941A>G, p.Tyr314Cys (NM_001308176.2); short protein forms Y345C, Y314C.
Identifiers: ClinVar variation 4763559 (VCV004763559.1).
Genomic context (GRCh38, chr18:27,993,624, plus strand): 5'-GTGTTTGAAAGGCCATATGTGGGATTGCCTTCCATGTCTGTAGCTTGAATTATTAACGTA[T>C]ACTGTTGCACTTTCTAAAAAGACATAAAGATAAGAACTTAAATGAAACTAATTCCTCAAG-3'
Protein context (NP_001783.2, residues 335-355): AGLDREKVQQ[Tyr345Cys]TLIIQATDME